The following is an entry in ClinVar:

NM_024570.4(RNASEH2B):c.437-1152A>G

Gene: RNASEH2B (ribonuclease H2 subunit B; plus strand). Cytogenetic location: 13q14.3.
Variant type: single nucleotide variant.
Coding change: c.437-1152A>G on transcript NM_024570.4 (MANE Select); 1152 bases into the intron before coding-DNA position 437, A replaced by G.
Molecular consequence: intron variant.
Genome position (GRCh38, 1-based): chr13:50,942,169, A>G. VCF-style: chr13-50942169-A-G. GRCh37 (hg19) VCF-style: chr13-51516305-A-G.
Other names: c.437-1152A>G (NM_001142279.2, NM_001411023.1).
Identifiers: ClinVar variation 2688033 (VCV002688033.2), dbSNP rs7316955, ClinGen allele CA15776754.

ClinVar aggregate classification (germline): Benign (1 of 4 stars; one submission).

Allele frequency attached by ClinVar (database versions not stated): 1000 Genomes Project 0.57129; 1000 Genomes Project 30x 0.57589; gnomAD exomes 0.58108; gnomAD 0.64035; TOPMed 0.64384.
gnomAD v4.1: 97,268 of 152,122 alleles (64%); highest among the groups gnomAD compares: African/African-American, 72%; 31,546 homozygotes.

Submission:

Unidad de Genómica Garrahan, Hospital de Pediatría Garrahan
Classification: Benign. Last evaluated: 2024-01-24. Review status: criteria provided, single submitter. Criteria: ACMG Guidelines, 2015. Collection method: clinical testing. Allele origin: germline. Affected: no. Observed: 63 variant alleles.
Comment: This variant is classified as Benign based on local population frequency. This variant was detected in 66% of patients studied by a panel of primary immunodeficiencies. Number of patients: 63. Only high quality variants are reported.